The following is an entry in ClinVar:

NM_014780.5(CUL7):c.3267C>G (p.Phe1089Leu)

Gene: CUL7 (cullin 7; minus strand). Cytogenetic location: 6p21.1.
Variant type: single nucleotide variant.
Coding change: c.3267C>G on transcript NM_014780.5 (MANE Select); coding-DNA position 3267, C replaced by G.
Protein change: p.Phe1089Leu; replaces phenylalanine 1089 with leucine.
Molecular consequence: missense variant.
Genome position (GRCh38, 1-based): chr6:43,043,536, G>C on the plus strand (C>G on the coding strand, the complement: CUL7 is on the minus strand). VCF-style: chr6-43043536-G-C. GRCh37 (hg19) VCF-style: chr6-43011274-G-C.
Other names: c.3363C>G, p.Phe1121Leu (NM_001168370.2, NM_001374872.1); c.3267C>G, p.Phe1089Leu (NM_001374873.1, NM_001374874.1); short protein forms F1089L, F1121L.
Identifiers: ClinVar variation 1925867 (VCV001925867.5), dbSNP rs773400354, ClinGen allele CA3813542.

ClinVar aggregate classification (germline): Uncertain significance (1 of 4 stars; one submission).

Allele frequency attached by ClinVar (database versions not stated): ExAC 0.00001.

Submission:

Labcorp Genetics (formerly Invitae), Labcorp
Classification: Uncertain significance. Last evaluated: 2022-01-19. Review status: criteria provided, single submitter. Criteria: Invitae Variant Classification Sherloc (09022015). Collection method: clinical testing. Allele origin: germline.
Comment: In summary, the available evidence is currently insufficient to determine the role of this variant in disease. Therefore, it has been classified as a Variant of Uncertain Significance. Algorithms developed to predict the effect of missense changes on protein structure and function are either unavailable or do not agree on the potential impact of this missense change (SIFT: "Deleterious"; PolyPhen-2: "Probably Damaging"; Align-GVGD: "Class C15"). This variant has not been reported in the literature in individuals affected with CUL7-related conditions. This variant is present in population databases (rs773400354, gnomAD 0.003%). This sequence change replaces phenylalanine, which is neutral and non-polar, with leucine, which is neutral and non-polar, at codon 1089 of the CUL7 protein (p.Phe1089Leu).